The following is an entry in ClinVar:

NM_000402.4(G6PD):c.583A>G (p.Asn195Asp)

Gene: G6PD (glucose-6-phosphate dehydrogenase; minus strand). Cytogenetic location: Xq28.
Variant type: single nucleotide variant.
Coding change: c.583A>G on transcript NM_000402.4; coding-DNA position 583, A replaced by G.
Protein change: p.Asn195Asp; replaces asparagine 195 with aspartic acid.
Molecular consequence: missense variant.
Genome position (GRCh38, 1-based): chrX:154,534,489, T>C on the plus strand (A>G on the coding strand, the complement: G6PD is on the minus strand). VCF-style: chrX-154534489-T-C. GRCh37 (hg19) VCF-style: chrX-153762704-T-C.
Other names: G6PD, ASN165ASP; G6PD Chinese-3; G6PD Taipei; G6PD Taiwan-Hakka 2; c.493A>G, p.Asn165Asp (NM_001042351.3, NM_001360016.2); c.493A>G (NM_001042351.1); short protein forms N165D, N195D.
Identifiers: ClinVar variation 10393 (VCV000010393.30), dbSNP rs137852331, ClinGen allele CA121000.

ClinVar aggregate classification (germline): Pathogenic/Likely pathogenic. Review status: criteria provided, multiple submitters, no conflicts (2 of 4 stars). 10 submissions from 10 submitters: Pathogenic (7); Likely pathogenic (2). 1 of the submissions does not count toward it. Last evaluated 2026-04-09.

Conditions:
G6PD-related disorder. Also called: G6PD-related condition.
Anemia, nonspherocytic hemolytic, due to G6PD deficiency (CNSHA1). Also called: Hemolytic anemia due to G6PD deficiency; ANEMIA, CONGENITAL, NONSPHEROCYTIC HEMOLYTIC, 1; Class I glucose-6-phosphate dehydrogenase deficiency; Favism, susceptibility to. Identifiers: Orphanet 466026, MedGen C2720289, MONDO:0010480, OMIM 300908.
Malaria, susceptibility to. Identifiers: Orphanet 673, MedGen C1970028, MONDO:0021024, OMIM 611162.
G6PD TAIWAN-HAKKA 2.

Allele frequency attached by ClinVar (database versions not stated): gnomAD 0.00004; gnomAD exomes 0.00005; ExAC 0.00008; TOPMed 0.00008.
gnomAD v4.1: 8 of 1,210,034 alleles (0.00066%); highest among the groups gnomAD compares: East Asian, 0.012%; no homozygotes.

Submissions (10):

Victorian Clinical Genetics Services, Murdoch Childrens Research Institute
Classification: Pathogenic for Anemia, nonspherocytic hemolytic, due to G6PD deficiency. Last evaluated: 2026-04-09. Review status: criteria provided, single submitter. Criteria: ACMG Guidelines, 2015. Collection method: clinical testing. Allele origin: germline. Affected: yes.
Comment: This variant is classified as Pathogenic. Evidence in support of pathogenic classification: Variant is present in gnomAD <0.01 (v2: 8 heterozygote(s), 0 homozygote(s), 4 hemizygote(s)); This variant has strong previous evidence of pathogenicity in unrelated individuals. This variant is known as the Taipei variant, and has been reported in a hemizygous state or heterozygous state in multiple individuals with G6PD deficiency and/or episodic acute haemolytic anaemia (ClinVar, PMID: 1562739, 36150187, 30045279); This variant has moderate functional evidence supporting abnormal protein function. Functional studies have shown significantly reduced enzyme activity in patients with this variant (PMID: 36150187, 30045279). Evidence in support of benign classification: Missense variant predicted to be tolerated by in silico tool(s) or not conserved in placental mammals with a minor amino acid change. Additional information: Variant is predicted to result in a missense amino acid change from Asn to Asp; This variant is hemizygous; This gene is associated with X-linked disease. Males with hemizygous pathogenic variants and females with homozygous pathogenic variants are commonly affected; however, some females with heterozygous pathogenic variants can be affected due to skewed X-inactivation; Alternative amino acid change(s) at the same position are present in gnomAD (v4: 1 heterozygote(s), 0 homozygote(s), 0 hemizygote(s)); Variant is located in the annotated Glucose-6-phosphate dehydrogenase, NAD binding domain (DECIPHER); Loss of function is a known mechanism of disease in this gene and is associated with G6PD deficient congenital nonspherocytic haemolytic anaemia 1 (MIM#300908); Inheritance information for this variant is not currently available in this individual.

Labcorp Genetics (formerly Invitae), Labcorp
Classification: Pathogenic for Anemia, nonspherocytic hemolytic, due to G6PD deficiency. Last evaluated: 2026-01-18. Review status: criteria provided, single submitter. Criteria: Invitae Variant Classification Sherloc (09022015). Collection method: clinical testing. Allele origin: germline.
Comment: This sequence change replaces asparagine, which is neutral and polar, with aspartic acid, which is acidic and polar, at codon 165 of the G6PD protein (p.Asn165Asp). This variant is present in population databases (rs137852331, gnomAD 0.08%), and has an allele count higher than expected for a pathogenic variant. This missense change has been observed in individual(s) with glucose-6-phosphate dehydrogenase deficiency (PMID: 1562739, 7789945, 8118045, 18270558). This variant is also known as "Taipei" or "Chinese-3". ClinVar contains an entry for this variant (Variation ID: 10393). Invitae Evidence Modeling of protein sequence and biophysical properties (such as structural, functional, and spatial information, amino acid conservation, physicochemical variation, residue mobility, and thermodynamic stability) indicates that this missense variant is expected to disrupt G6PD protein function with a positive predictive value of 95%. Experimental studies have shown that this missense change affects G6PD function (PMID: 8118045). For these reasons, this variant has been classified as Pathogenic.

PreventionGenetics, part of Exact Sciences
Classification: Pathogenic for G6PD-related condition. Last evaluated: 2025-11-17. Review status: criteria provided, single submitter. Criteria: ACMG Guidelines, 2015. Collection method: clinical testing. Allele origin: germline.
Comment: The G6PD c.493A>G variant is predicted to result in the amino acid substitution p.Asn165Asp. This variant, also referred to as G6PD Taipei, has been reported to be causative for glucose-6-phosphate dehydrogenase deficiency (Tang et al. 1992. PubMed ID: 1562739; Devendra et al. 2020. PubMed ID: 33069889). Functional studies showed that this variant results in reduced enzyme activity (Tang et al. 1994. PubMed ID: 8118045). This variant is reported in 0.081% of alleles in individuals of East Asian descent, including four hemizygotes, in gnomAD. This variant is interpreted as pathogenic.

Fulgent Genetics
Classification: Likely pathogenic for Anemia, nonspherocytic hemolytic, due to G6PD deficiency; Malaria, susceptibility to. Last evaluated: 2024-04-01. Review status: criteria provided, single submitter. Criteria: ACMG Guidelines, 2015. Collection method: clinical testing. Allele origin: germline.

Baylor Genetics
Classification: Pathogenic for Malaria, susceptibility to. Last evaluated: 2024-03-08. Review status: criteria provided, single submitter. Criteria: ACMG Guidelines, 2015. Collection method: clinical testing. Allele origin: unknown.

Dunham Lab, University of Washington
Classification: Pathogenic for Anemia, nonspherocytic hemolytic, due to G6PD deficiency. Last evaluated: 2022-08-12. Review status: criteria provided, single submitter. Criteria: Bayesian ACMG Guidelines, 2018. Collection method: curation. Allele origin: maternal. Affected: yes.
Comment: Variant found in unrelated hemizygotes with deficiency (PS4_M, PP4); Decreased activity in red blood cells (7-25%) (PS3). Below expected carrier frequency in gnomAD (PM2). Reported as pathogenic by Eurofins (PP5). Post_P 0.997 (odds of pathogenicity 3155, Prior_P 0.1).

Mendelics
Classification: Pathogenic for Anemia, nonspherocytic hemolytic, due to G6PD deficiency. Last evaluated: 2022-05-04. Review status: criteria provided, single submitter. Criteria: Mendelics Assertion Criteria 2019. Collection method: clinical testing. Allele origin: germline.

ARUP Laboratories, Molecular Genetics and Genomics, ARUP Laboratories
Classification: Likely pathogenic. Last evaluated: 2016-12-01. Review status: criteria provided, single submitter. Criteria: ARUP Molecular Germline Variant Investigation Process. Collection method: clinical testing. Allele origin: germline.

Eurofins Ntd Llc (ga)
Classification: Pathogenic. Last evaluated: 2014-05-14. Review status: criteria provided, single submitter. Criteria: EGL Classification Definitions 2015. Collection method: clinical testing. Allele origin: germline. Observed: 3 variant alleles, 1 heterozygote, 2 hemizygotes.

OMIM
Classification: other for G6PD TAIWAN-HAKKA 2. Last evaluated: 2013-04-18. Review status: no assertion criteria provided. Collection method: literature only. Allele origin: germline. Not counted in ClinVar's aggregate classification.

Literature cited by the submitters: PubMed 1562739 (cited by 4 submitters); PubMed 30045279 (cited by Victorian Clinical Genetics Services, Murdoch Childrens Research Institute and Dunham Lab, University of Washington); PubMed 36150187 (cited by Victorian Clinical Genetics Services, Murdoch Childrens Research Institute); PubMed 7789945 (cited by Labcorp Genetics (formerly Invitae), Labcorp and Dunham Lab, University of Washington); PubMed 8118045 (cited by Labcorp Genetics (formerly Invitae), Labcorp); PubMed 18270558 (cited by Labcorp Genetics (formerly Invitae), Labcorp); PubMed 3198117 (cited by Dunham Lab, University of Washington); PubMed 8244337 (cited by Dunham Lab, University of Washington); PubMed 9589612 (cited by Dunham Lab, University of Washington).